The following is an entry in ClinVar:

NM_013254.4(TBK1):c.437G>C (p.Gly146Ala)

Gene: TBK1 (TANK binding kinase 1; plus strand). Cytogenetic location: 12q14.2.
Variant type: single nucleotide variant.
Coding change: c.437G>C on transcript NM_013254.4 (MANE Select); coding-DNA position 437, G replaced by C.
Protein change: p.Gly146Ala; replaces glycine 146 with alanine.
Molecular consequence: missense variant.
Genome position (GRCh38, 1-based): chr12:64,466,979, G>C. VCF-style: chr12-64466979-G-C. GRCh37 (hg19) VCF-style: chr12-64860759-G-C.
Other names: short protein forms G146A.
Identifiers: ClinVar variation 1371033 (VCV001371033.8), dbSNP rs41292021, ClinGen allele CA6668816.

ClinVar aggregate classification (germline): Uncertain significance (1 of 4 stars; one submission).

Conditions:
Frontotemporal dementia and/or amyotrophic lateral sclerosis 4. Also called: FTDALS4. Identifiers: Orphanet 275872, MedGen C4225325, MONDO:0014641, OMIM 616439.

Allele frequency attached by ClinVar (database versions not stated): ExAC 0.00001; gnomAD exomes 0.00001; ESP Exome Variant Server 0.00008; 1000 Genomes Project 0.00020; 1000 Genomes Project 30x 0.00031.
gnomAD v4.1: 19 of 1,613,092 alleles (0.0012%); highest among the groups gnomAD compares: Non-Finnish European, 0.0015%; no homozygotes.

Submission:

Labcorp Genetics (formerly Invitae), Labcorp
Classification: Uncertain significance for Frontotemporal dementia and/or amyotrophic lateral sclerosis 4. Last evaluated: 2022-09-08. Review status: criteria provided, single submitter. Criteria: Invitae Variant Classification Sherloc (09022015). Collection method: clinical testing. Allele origin: germline.
Comment: Advanced modeling of protein sequence and biophysical properties (such as structural, functional, and spatial information, amino acid conservation, physicochemical variation, residue mobility, and thermodynamic stability) performed at Invitae indicates that this missense variant is not expected to disrupt TBK1 protein function. ClinVar contains an entry for this variant (Variation ID: 1371033). This variant has not been reported in the literature in individuals affected with TBK1-related conditions. This variant is present in population databases (rs41292021, gnomAD 0.003%). This sequence change replaces glycine, which is neutral and non-polar, with alanine, which is neutral and non-polar, at codon 146 of the TBK1 protein (p.Gly146Ala). In summary, the available evidence is currently insufficient to determine the role of this variant in disease. Therefore, it has been classified as a Variant of Uncertain Significance.